The following is an entry in ClinVar:

ClinVar aggregate classification (germline): Conflicting classifications of pathogenicity. Review status: criteria provided, conflicting classifications (1 of 4 stars). 3 submissions from 3 submitters: Uncertain significance (2); Likely benign (1). Last evaluated 2024-11-26.

Conditions:
Pigmentary pallidal degeneration (NBIA1). Also called: Pantothenate Kinase-Associated Neurodegeneration; HARP SYNDROME; Neuroaxonal dystrophy, late infantile; Hallervorden-Spatz disease; Neurodegeneration with brain iron accumulation 1; PKAN NEUROAXONAL DYSTROPHY, JUVENILE-ONSET. Identifiers: Orphanet 157850, MedGen C0018523, MONDO:0009319, OMIM 234200.
Inborn genetic diseases. Identifiers: MedGen C0950123, MeSH D030342.

Allele frequency attached by ClinVar (database versions not stated): ExAC 0.00002; gnomAD 0.00010 and 0.00011; TOPMed 0.00011.
gnomAD v4.1: 23 of 1,614,040 alleles (0.0014%); highest among the groups gnomAD compares: African/African-American, 0.028%; no homozygotes.

Submissions (3):

Blueprint Genetics
Classification: Likely benign. Last evaluated: 2024-11-26. Review status: criteria provided, single submitter. Criteria: ACMG Guidelines, 2015. Collection method: clinical testing. Allele origin: germline.

Labcorp Genetics (formerly Invitae), Labcorp
Classification: Uncertain significance for Pigmentary pallidal degeneration. Last evaluated: 2022-06-14. Review status: criteria provided, single submitter. Criteria: Invitae Variant Classification Sherloc (09022015). Collection method: clinical testing. Allele origin: germline.
Comment: This sequence change replaces lysine, which is basic and polar, with threonine, which is neutral and polar, at codon 344 of the PANK2 protein (p.Lys344Thr). This variant is present in population databases (rs774676518, gnomAD 0.04%). This variant has not been reported in the literature in individuals affected with PANK2-related conditions. Algorithms developed to predict the effect of missense changes on protein structure and function are either unavailable or do not agree on the potential impact of this missense change (SIFT: "Deleterious"; PolyPhen-2: "Benign"; Align-GVGD: "Class C0"). Algorithms developed to predict the effect of sequence changes on RNA splicing suggest that this variant may create or strengthen a splice site. In summary, the available evidence is currently insufficient to determine the role of this variant in disease. Therefore, it has been classified as a Variant of Uncertain Significance.

Ambry Genetics
Classification: Uncertain significance for Inborn genetic diseases. Last evaluated: 2021-07-20. Review status: criteria provided, single submitter. Criteria: Ambry Variant Classification Scheme 2023. Collection method: clinical testing. Allele origin: germline.

NM_001386393.1(PANK2):c.701A>C (p.Lys234Thr)

Gene: PANK2 (pantothenate kinase 2; plus strand). Cytogenetic location: 20p13.
Variant type: single nucleotide variant.
Coding change: c.701A>C on transcript NM_001386393.1 (MANE Select); coding-DNA position 701, A replaced by C.
Protein change: p.Lys234Thr; replaces lysine 234 with threonine.
Molecular consequence: missense variant. On other transcripts: 5 prime UTR variant (1), non-coding transcript variant (1).
Genome position (GRCh38, 1-based): chr20:3,910,626, A>C. VCF-style: chr20-3910626-A-C. GRCh37 (hg19) VCF-style: chr20-3891273-A-C.
Other names: c.1031A>C (NM_153638.2); c.158A>C, p.Lys53Thr (NM_001324191.2, NM_024960.6, NM_153640.4); c.-278A>C (NM_001324193.2); c.1031A>C, p.Lys344Thr (NM_153638.4); short protein forms K344T, K53T, K234T.
Identifiers: ClinVar variation 1508489 (VCV001508489.5), dbSNP rs774676518, ClinGen allele CA9750755.
Genomic context (GRCh38, chr20:3,910,626, plus strand): 5'-TTTCATTACAGATAGGTGATCTTCAGCTTTGCAAACTGGATGAACTAGATTGCTTGATCA[A>C]AGGAATTTTATACATTGACTCAGTCGGATTCAATGGACGGTCACAGTGCTATTACTTTGA-3'
Protein context (NP_001373322.1, residues 224-244): CKLDELDCLI[Lys234Thr]GILYIDSVGF